The following is an entry in ClinVar:

ClinVar aggregate classification (germline): Uncertain significance. Review status: criteria provided, multiple submitters, no conflicts (2 of 4 stars). 4 submissions from 4 submitters: Uncertain significance (4). Last evaluated 2025-11-01.

Conditions:
Rienhoff syndrome. Also called: LOEYS-DIETZ SYNDROME 5. Identifiers: MedGen C3810012, MONDO:0014262, OMIM 615582.
Familial thoracic aortic aneurysm and aortic dissection (TAAD). Also called: Thoracic aortic aneurysms and dissections. Identifiers: Orphanet 91387, MedGen C4707243, MONDO:0019625.

Allele frequency attached by ClinVar (database versions not stated): gnomAD exomes below 0.00001; gnomAD 0.00001.
gnomAD v4.1: 3 of 1,614,052 alleles (0.00019%); highest among the groups gnomAD compares: Admixed American, 0.0017%; no homozygotes.

Submissions (4):

CeGaT Center for Human Genetics Tuebingen
Classification: Uncertain significance. Last evaluated: 2025-11-01. Review status: criteria provided, single submitter. Criteria: CeGaT Center For Human Genetics Tuebingen Variant Classification Criteria Version 2. Collection method: clinical testing. Allele origin: germline. Affected: yes. Observed: 1 variant allele.
Comment: TGFB3: PM2

Labcorp Genetics (formerly Invitae), Labcorp
Classification: Uncertain significance for Rienhoff syndrome. Last evaluated: 2024-03-15. Review status: criteria provided, single submitter. Criteria: Invitae Variant Classification Sherloc (09022015). Collection method: clinical testing. Allele origin: germline.
Comment: This sequence change replaces arginine, which is basic and polar, with tryptophan, which is neutral and slightly polar, at codon 77 of the TGFB3 protein (p.Arg77Trp). This variant is present in population databases (no rsID available, gnomAD 0.003%). This variant has not been reported in the literature in individuals affected with TGFB3-related conditions. ClinVar contains an entry for this variant (Variation ID: 949605). Advanced modeling of protein sequence and biophysical properties (such as structural, functional, and spatial information, amino acid conservation, physicochemical variation, residue mobility, and thermodynamic stability) performed at Invitae indicates that this missense variant is not expected to disrupt TGFB3 protein function with a negative predictive value of 80%. In summary, the available evidence is currently insufficient to determine the role of this variant in disease. Therefore, it has been classified as a Variant of Uncertain Significance.

Ambry Genetics
Classification: Uncertain significance for Familial thoracic aortic aneurysm and aortic dissection. Last evaluated: 2023-09-10. Review status: criteria provided, single submitter. Criteria: Ambry Variant Classification Scheme 2023. Collection method: clinical testing. Allele origin: germline.
Comment: The p.R77W variant (also known as c.229C>T), located in coding exon 1 of the TGFB3 gene, results from a C to T substitution at nucleotide position 229. The arginine at codon 77 is replaced by tryptophan, an amino acid with dissimilar properties. This amino acid position is conserved. In addition, the in silico prediction for this alteration is inconclusive. Since supporting evidence is limited at this time, the clinical significance of this alteration remains unclear.

GeneDx
Classification: Uncertain significance. Last evaluated: 2021-09-21. Review status: criteria provided, single submitter. Criteria: GeneDx Variant Classification Process June 2021. Collection method: clinical testing. Allele origin: germline. Affected: yes.
Comment: Has not been previously published as pathogenic or benign to our knowledge; Not observed at significant frequency in large population cohorts (Lek et al., 2016); In silico analysis supports that this missense variant has a deleterious effect on protein structure/function; Reported in ClinVar as a variant of uncertain significance (ClinVar Variant ID# 949605; Landrum et al., 2016); This variant is associated with the following publications: (PMID: 26582918)

NM_003239.5(TGFB3):c.229C>T (p.Arg77Trp)

Gene: TGFB3 (transforming growth factor beta 3; minus strand). Cytogenetic location: 14q24.3.
Variant type: single nucleotide variant.
Coding change: c.229C>T on transcript NM_003239.5 (MANE Select); coding-DNA position 229, C replaced by T.
Protein change: p.Arg77Trp; replaces arginine 77 with tryptophan.
Molecular consequence: missense variant.
Genome position (GRCh38, 1-based): chr14:75,980,665, G>A on the plus strand (C>T on the coding strand, the complement: TGFB3 is on the minus strand). VCF-style: chr14-75980665-G-A. GRCh37 (hg19) VCF-style: chr14-76447008-G-A.
Other names: c.229C>T, p.Arg77Trp (NM_001329938.2, NM_001329939.2); short protein forms R77W.
Identifiers: ClinVar variation 949605 (VCV000949605.19), dbSNP rs150817760, ClinGen allele CA390471329.
Genomic context (GRCh38, chr14:75,980,665, plus strand): 5'-CGGTGTTTTCCTGGGTGCAGCCTTCCTCCCTCTCCCCATGCATCTCCTCCAGCAGCTCCC[G>A]GGTGCTGTTGTAAAGGGCCAGGACCTGATAGGGGACGTGGGTCATCACCGTTGGCTCAGG-3'
Protein context (NP_003230.1, residues 67-87): YQVLALYNST[Arg77Trp]ELLEEMHGER